The following is an entry in ClinVar:

ClinVar aggregate classification (germline): Benign/Likely benign. Review status: criteria provided, multiple submitters, no conflicts (2 of 4 stars). 3 submissions from 3 submitters: Benign (1); Likely benign (2). Last evaluated 2026-01-26.

Conditions:
Hypertrophic cardiomyopathy. Also called: HYPERTROPHIC MYOCARDIOPATHY. Identifiers: Orphanet 217569, MedGen C0007194, MeSH D002312, MONDO:0005045, HP:0001639.

Allele frequency attached by ClinVar (database versions not stated): gnomAD 0.00001 and 0.00002; TOPMed 0.00004; ExAC 0.00006; gnomAD exomes 0.00006 and 0.00008.

Submissions (3):

Labcorp Genetics (formerly Invitae), Labcorp
Classification: Likely benign for Hypertrophic cardiomyopathy. Last evaluated: 2026-01-26. Review status: criteria provided, single submitter. Criteria: Invitae Variant Classification Sherloc (09022015). Collection method: clinical testing. Allele origin: germline.

Blueprint Genetics
Classification: Likely benign. Last evaluated: 2024-07-03. Review status: criteria provided, single submitter. Criteria: ACMG Guidelines, 2015. Collection method: clinical testing. Allele origin: germline.

GeneDx
Classification: Benign. Last evaluated: 2015-06-22. Review status: criteria provided, single submitter. Criteria: GeneDx Variant Classification (06012015). Collection method: clinical testing. Allele origin: germline. Affected: yes.
Comment: This variant is considered likely benign or benign based on one or more of the following criteria: it is a conservative change, it occurs at a poorly conserved position in the protein, it is predicted to be benign by multiple in silico algorithms, and/or has population frequency not consistent with disease.

NC_000011.10:g.47332549C>T

Gene: MYBPC3 (myosin binding protein C3; minus strand). Cytogenetic location: 11p11.2.
Variant type: single nucleotide variant.
Genome position: GRCh38 VCF-style: chr11-47332549-C-T. GRCh37 (hg19) VCF-style: chr11-47354100-C-T.
Other names: c.3627+17G>A (LRG_386t1, NM_000256.3).
Identifiers: ClinVar variation 378196 (VCV000378196.6), dbSNP rs778235604, ClinGen allele CA079452.